The following is an entry in ClinVar:

ClinVar aggregate classification (germline): Uncertain significance. Review status: criteria provided, multiple submitters, no conflicts (2 of 4 stars). 2 submissions from 2 submitters: Uncertain significance (2). Last evaluated 2024-08-13.

Conditions:
Hereditary cancer-predisposing syndrome. Also called: Neoplastic Syndromes, Hereditary; Tumor predisposition; Hereditary neoplastic syndrome; Hereditary Cancer Syndrome. Identifiers: Orphanet 140162, MedGen C0027672, MeSH D009386, MONDO:0015356.
Cardiovascular phenotype. Identifiers: MedGen CN230736.

Submissions (2):

Labcorp Genetics (formerly Invitae), Labcorp
Classification: Uncertain significance. Last evaluated: 2024-08-13. Review status: criteria provided, single submitter. Criteria: Invitae Variant Classification Sherloc (09022015). Collection method: clinical testing. Allele origin: germline.
Comment: This sequence change replaces proline, which is neutral and non-polar, with glutamine, which is neutral and polar, at codon 677 of the LZTR1 protein (p.Pro677Gln). This variant is not present in population databases (gnomAD no frequency). This variant has not been reported in the literature in individuals affected with LZTR1-related conditions. Invitae Evidence Modeling of protein sequence and biophysical properties (such as structural, functional, and spatial information, amino acid conservation, physicochemical variation, residue mobility, and thermodynamic stability) indicates that this missense variant is not expected to disrupt LZTR1 protein function with a negative predictive value of 80%. In summary, the available evidence is currently insufficient to determine the role of this variant in disease. Therefore, it has been classified as a Variant of Uncertain Significance.

Ambry Genetics
Classification: Uncertain significance for Cardiovascular phenotype; Hereditary cancer-predisposing syndrome. Last evaluated: 2023-05-02. Review status: criteria provided, single submitter. Criteria: Ambry Variant Classification Scheme 2023. Collection method: clinical testing. Allele origin: germline.
Comment: The p.P677Q variant (also known as c.2030C>A), located in coding exon 17 of the LZTR1 gene, results from a C to A substitution at nucleotide position 2030. The proline at codon 677 is replaced by glutamine, an amino acid with similar properties. This amino acid position is conserved. In addition, the in silico prediction for this alteration is inconclusive. Since supporting evidence is limited at this time, the clinical significance of this alteration remains unclear.

NM_006767.4(LZTR1):c.2030C>A (p.Pro677Gln)

Gene: LZTR1 (leucine zipper like post translational regulator 1; plus strand). Cytogenetic location: 22q11.21.
Variant type: single nucleotide variant.
Coding change: c.2030C>A on transcript NM_006767.4 (MANE Select); coding-DNA position 2030, C replaced by A.
Protein change: p.Pro677Gln; replaces proline 677 with glutamine.
Molecular consequence: missense variant.
Genome position (GRCh38, 1-based): chr22:20,995,833, C>A. VCF-style: chr22-20995833-C-A. GRCh37 (hg19) VCF-style: chr22-21350122-C-A.
Other names: short protein forms P677Q.
Identifiers: ClinVar variation 3238190 (VCV003238190.3), dbSNP rs2518624004.